The following is an entry in ClinVar:

ClinVar aggregate classification (germline): Uncertain significance (1 of 4 stars; one submission).

Allele frequency attached by ClinVar (database versions not stated): gnomAD exomes below 0.00001.
gnomAD v4.1: 1 of 1,613,986 alleles (0.000062%); highest among the groups gnomAD compares: Non-Finnish European, 0.000085%; no homozygotes.

Submission:

Labcorp Genetics (formerly Invitae), Labcorp
Classification: Uncertain significance. Last evaluated: 2022-10-25. Review status: criteria provided, single submitter. Criteria: Invitae Variant Classification Sherloc (09022015). Collection method: clinical testing. Allele origin: germline.
Comment: This sequence change replaces cysteine, which is neutral and slightly polar, with glycine, which is neutral and non-polar, at codon 107 of the MOCS2B protein (p.Cys107Gly). This variant is not present in population databases (gnomAD no frequency). This variant has not been reported in the literature in individuals affected with MOCS2B-related conditions. ClinVar contains an entry for this variant (Variation ID: 1473611). Algorithms developed to predict the effect of missense changes on protein structure and function are either unavailable or do not agree on the potential impact of this missense change (SIFT: "Deleterious"; PolyPhen-2: "Benign"; Align-GVGD: "Class C0"). In summary, the available evidence is currently insufficient to determine the role of this variant in disease. Therefore, it has been classified as a Variant of Uncertain Significance.

NM_004531.5(MOCS2):c.319T>G (p.Cys107Gly)

Gene: MOCS2 (molybdenum cofactor synthesis 2; minus strand). Cytogenetic location: 5q11.2.
Variant type: single nucleotide variant.
Coding change: c.319T>G on transcript NM_004531.5 (MANE Select); coding-DNA position 319, T replaced by G.
Protein change: p.Cys107Gly; replaces cysteine 107 with glycine.
Molecular consequence: missense variant. On other transcripts: 3 prime UTR variant (1).
Genome position (GRCh38, 1-based): chr5:53,101,417, A>C on the plus strand (T>G on the coding strand, the complement: MOCS2 is on the minus strand). VCF-style: chr5-53101417-A-C. GRCh37 (hg19) VCF-style: chr5-52397247-A-C.
Other names: c.*239T>G (NM_176806.4); short protein forms C107G.
Identifiers: ClinVar variation 1473611 (VCV001473611.8), dbSNP rs2112083286, ClinGen allele CA359693104.